The following is an entry in ClinVar:

NM_003467.3(CXCR4):c.219G>A (p.Thr73=)

Gene: CXCR4 (C-X-C motif chemokine receptor 4; minus strand). Cytogenetic location: 2q22.1.
Variant type: single nucleotide variant.
Coding change: c.219G>A on transcript NM_003467.3 (MANE Select); coding-DNA position 219, G replaced by A.
Protein change: p.Thr73=; no amino-acid change (threonine 73 retained).
Molecular consequence: synonymous variant.
Genome position (GRCh38, 1-based): chr2:136,115,709, C>T on the plus strand (G>A on the coding strand, the complement: CXCR4 is on the minus strand). VCF-style: chr2-136115709-C-T. GRCh37 (hg19) VCF-style: chr2-136873279-C-T.
Other names: c.231G>A, p.Thr77= (NM_001008540.2); c.432G>A, p.Thr144= (NM_001348056.2); c.318G>A, p.Thr106= (NM_001348059.2); c.174G>A, p.Thr58= (NM_001348060.2).
Identifiers: ClinVar variation 1096326 (VCV001096326.38), dbSNP rs909200339, ClinGen allele CA56886568.

ClinVar aggregate classification (germline): Conflicting classifications of pathogenicity. Review status: criteria provided, conflicting classifications (1 of 4 stars). 4 submissions from 4 submitters: Uncertain significance (1); Benign (1); Likely benign (2). Last evaluated 2025-05-14.

Conditions:
Warts, hypogammaglobulinemia, infections, and myelokathexis. Also called: WHIM syndrome. Identifiers: MedGen C0472817, MONDO:0023880.

Allele frequency attached by ClinVar (database versions not stated): gnomAD exomes 0.00001 and 0.00006; gnomAD 0.00005.
gnomAD v4.1: 99 of 1,614,084 alleles (0.0061%); highest among the groups gnomAD compares: Non-Finnish European, 0.0077%; no homozygotes.

Submissions (4):

Labcorp Genetics (formerly Invitae), Labcorp
Classification: Likely benign for Warts, hypogammaglobulinemia, infections, and myelokathexis. Last evaluated: 2025-05-14. Review status: criteria provided, single submitter. Criteria: Invitae Variant Classification Sherloc (09022015). Collection method: clinical testing. Allele origin: germline.

Laboratory of Genetics, Children's Clinical University Hospital Latvia
Classification: Benign. Last evaluated: 2025-02-16. Review status: criteria provided, single submitter. Criteria: ACMG Guidelines, 2015. Collection method: clinical testing. Allele origin: germline. Affected: yes.

CeGaT Center for Human Genetics Tuebingen
Classification: Likely benign. Last evaluated: 2023-07-01. Review status: criteria provided, single submitter. Criteria: CeGaT Center For Human Genetics Tuebingen Variant Classification Criteria Version 2. Collection method: clinical testing. Allele origin: germline. Affected: yes. Observed: 1 variant allele.
Comment: CXCR4: BP4, BP7

Genetic Services Laboratory, University of Chicago
Classification: Uncertain significance. Last evaluated: 2018-02-19. Review status: criteria provided, single submitter. Criteria: ACMG Guidelines, 2015. Collection method: clinical testing. Allele origin: germline. Affected: no.